The following is an entry in ClinVar:

ClinVar aggregate classification (germline): Likely benign (1 of 4 stars; one submission).

Conditions:
Arrhythmogenic cardiomyopathy with wooly hair and keratoderma. Also called: PALMOPLANTAR KERATODERMA WITH LEFT VENTRICULAR CARDIOMYOPATHY AND WOOLLY HAIR; Carvajal syndrome; Dilated cardiomyopathy with woolly hair and keratoderma; Arrhythmogenic cardiomyopathy with woolly hair and keratoderma. Identifiers: Orphanet 65282, MedGen C1854063, MONDO:0011581, OMIM 605676.

Allele frequency attached by ClinVar (database versions not stated): gnomAD exomes below 0.00001.
gnomAD v4.1: 1 of 1,614,098 alleles (0.000062%); highest among the groups gnomAD compares: Non-Finnish European, 0.000085%; no homozygotes.

Submission:

All of Us Research Program, National Institutes of Health
Classification: Likely benign for Arrhythmogenic cardiomyopathy with wooly hair and keratoderma. Last evaluated: 2023-07-10. Review status: criteria provided, single submitter. Criteria: ACMG Guidelines, 2015. Collection method: clinical testing. Allele origin: germline. Inheritance: Autosomal dominant inheritance. Observed: 1 variant allele, 1 heterozygote.
Comment: This study involves interpretation of variants in research participants for the purpose of population health screening. Participant phenotype was not available at the time of variant classification. Additional details can be found in publication PMID: 35346344, PMCID: PMC8962531

NM_004415.4(DSP):c.3945G>A (p.Glu1315=)

Gene: DSP (desmoplakin; plus strand). Cytogenetic location: 6p24.3.
Variant type: single nucleotide variant.
Coding change: c.3945G>A on transcript NM_004415.4 (MANE Select); coding-DNA position 3945, G replaced by A.
Protein change: p.Glu1315=; no amino-acid change (glutamic acid 1315 retained).
Molecular consequence: synonymous variant. On other transcripts: intron variant (1).
Genome position (GRCh38, 1-based): chr6:7,580,135, G>A. VCF-style: chr6-7580135-G-A. GRCh37 (hg19) VCF-style: chr6-7580368-G-A.
Other names: c.3945G>A, p.Glu1315= (NM_001319034.2); c.3582+363G>A (NM_001008844.3).
Identifiers: ClinVar variation 3072382 (VCV003072382.1), dbSNP rs2533926741, ClinGen allele CA448714499.